The following is an entry in ClinVar:

ClinVar aggregate classification (germline): Uncertain significance (1 of 4 stars; one submission).

Conditions:
Amyotrophic lateral sclerosis type 4 (ALS4). Also called: AMYOTROPHIC LATERAL SCLEROSIS 4, JUVENILE; NEURONOPATHY, DISTAL HEREDITARY MOTOR, WITH PYRAMIDAL FEATURES. Identifiers: Orphanet 357043, MedGen C1865409, MONDO:0011223, OMIM 602433.
Spinocerebellar ataxia, autosomal recessive, with axonal neuropathy 2 (SCAN2). Also called: ATAXIA-OCULOMOTOR APRAXIA 2; Ataxia with Oculomotor Apraxia; Ataxia with Oculomotor Apraxia Type 2; Ataxia-ocular apraxia-2. Identifiers: Orphanet 64753, MedGen C1853761, MONDO:0018996, OMIM 606002.

Submission:

Labcorp Genetics (formerly Invitae), Labcorp
Classification: Uncertain significance for Amyotrophic lateral sclerosis type 4; Spinocerebellar ataxia, autosomal recessive, with axonal neuropathy 2. Last evaluated: 2021-12-21. Review status: criteria provided, single submitter. Criteria: Invitae Variant Classification Sherloc (09022015). Collection method: clinical testing. Allele origin: germline.
Comment: This variant is not present in population databases (gnomAD no frequency). In summary, the available evidence is currently insufficient to determine the role of this variant in disease. Therefore, it has been classified as a Variant of Uncertain Significance. Advanced modeling of protein sequence and biophysical properties (such as structural, functional, and spatial information, amino acid conservation, physicochemical variation, residue mobility, and thermodynamic stability) performed at Invitae indicates that this missense variant is not expected to disrupt SETX protein function. This variant has not been reported in the literature in individuals affected with SETX-related conditions. This sequence change replaces arginine, which is basic and polar, with glutamine, which is neutral and polar, at codon 2105 of the SETX protein (p.Arg2105Gln).

NM_015046.7(SETX):c.6314G>A (p.Arg2105Gln)

Gene: SETX (senataxin; minus strand). Cytogenetic location: 9q34.13.
Variant type: single nucleotide variant.
Coding change: c.6314G>A on transcript NM_015046.7 (MANE Select); coding-DNA position 6314, G replaced by A.
Protein change: p.Arg2105Gln; replaces arginine 2105 with glutamine.
Molecular consequence: missense variant.
Genome position (GRCh38, 1-based): chr9:132,288,246, C>T on the plus strand (G>A on the coding strand, the complement: SETX is on the minus strand). VCF-style: chr9-132288246-C-T. GRCh37 (hg19) VCF-style: chr9-135163633-C-T.
Other names: c.6314G>A, p.Arg2105Gln (NM_001351527.2, NM_001351528.2); short protein forms R2105Q.
Identifiers: ClinVar variation 1912380 (VCV001912380.5), dbSNP rs2538930012, ClinGen allele CA375337468.
Genomic context (GRCh38, chr9:132,288,246, plus strand): 5'-TGTTAACTAGTTCGTATACCTGAGTTATTATTCAAGAAATGCAAAGATACCTGTATTTCC[C>T]GTCCACCTCGGCATAGAGCTCGCTGCCGGGAAAGCTCATCCAGCTGATAATCTAGAAATT-3'
Protein context (NP_055861.3, residues 2095-2115): SRQRALCRGG[Arg2105Gln]EIQRQELDEN